The following is an entry in ClinVar:

NM_002055.5(GFAP):c.826C>T (p.Arg276Cys)

Gene: GFAP (glial fibrillary acidic protein; minus strand). Cytogenetic location: 17q21.31.
Variant type: single nucleotide variant.
Coding change: c.826C>T on transcript NM_002055.5 (MANE Select); coding-DNA position 826, C replaced by T.
Protein change: p.Arg276Cys; replaces arginine 276 with cysteine.
Molecular consequence: missense variant.
Genome position (GRCh38, 1-based): chr17:44,911,752, G>A on the plus strand (C>T on the coding strand, the complement: GFAP is on the minus strand). VCF-style: chr17-44911752-G-A. GRCh37 (hg19) VCF-style: chr17-42989120-G-A.
Other names: c.826C>T, p.Arg276Cys (NM_001131019.3, NM_001242376.3, NM_001363846.2); short protein forms R276C.
Identifiers: ClinVar variation 2736605 (VCV002736605.3), dbSNP rs868387526, ClinGen allele CA291029402.

ClinVar aggregate classification (germline): Uncertain significance (1 of 4 stars; one submission).

Allele frequency attached by ClinVar (database versions not stated): gnomAD exomes below 0.00001.

Submission:

Labcorp Genetics (formerly Invitae), Labcorp
Classification: Uncertain significance. Last evaluated: 2023-08-28. Review status: criteria provided, single submitter. Criteria: Invitae Variant Classification Sherloc (09022015). Collection method: clinical testing. Allele origin: germline.
Comment: In summary, the available evidence is currently insufficient to determine the role of this variant in disease. Therefore, it has been classified as a Variant of Uncertain Significance. Advanced modeling of protein sequence and biophysical properties (such as structural, functional, and spatial information, amino acid conservation, physicochemical variation, residue mobility, and thermodynamic stability) has been performed at Invitae for this missense variant, however the output from this modeling did not meet the statistical confidence thresholds required to predict the impact of this variant on GFAP protein function. This missense change has been observed in individual(s) with clinical features of Alexander disease (PMID: 26023202). This variant is not present in population databases (gnomAD no frequency). This sequence change replaces arginine, which is basic and polar, with cysteine, which is neutral and slightly polar, at codon 276 of the GFAP protein (p.Arg276Cys).

Literature cited by the submitters: PubMed 26023202.